The following is an entry in ClinVar:

ClinVar aggregate classification (germline): Likely benign. Review status: criteria provided, multiple submitters, no conflicts (2 of 4 stars). 4 submissions from 4 submitters: Likely benign (3). 1 of the submissions does not count toward it. Last evaluated 2025-10-28.

Conditions:
PRRT2-Related Disorder. Also called: PRRT2-related disorders. Identifiers: MedGen CN381059.
Episodic kinesigenic dyskinesia (EKD). Also called: Paroxysmal kinesigenic dyskinesia. Identifiers: Orphanet 98809, MedGen C1868682, MONDO:0044202.
Inborn genetic diseases. Identifiers: MedGen C0950123, MeSH D030342.

Allele frequency attached by ClinVar (database versions not stated): ExAC 0.00001; gnomAD exomes 0.00001 and 0.00002; TOPMed 0.00002; gnomAD 0.00003.
gnomAD v4.1: 14 of 1,613,692 alleles (0.00087%); highest among the groups gnomAD compares: Admixed American, 0.01%; no homozygotes.

Submissions (4):

Labcorp Genetics (formerly Invitae), Labcorp
Classification: Likely benign for Episodic kinesigenic dyskinesia. Last evaluated: 2025-10-28. Review status: criteria provided, single submitter. Criteria: Invitae Variant Classification Sherloc (09022015). Collection method: clinical testing. Allele origin: germline.

CeGaT Center for Human Genetics Tuebingen
Classification: Likely benign. Last evaluated: 2024-09-01. Review status: criteria provided, single submitter. Criteria: CeGaT Center For Human Genetics Tuebingen Variant Classification Criteria Version 2. Collection method: clinical testing. Allele origin: germline. Affected: yes. Observed: 1 variant allele.
Comment: PRRT2: BP4, BP7

Ambry Genetics
Classification: Likely benign for Inborn genetic diseases. Last evaluated: 2019-10-23. Review status: criteria provided, single submitter. Criteria: Ambry Variant Classification Scheme 2023. Collection method: clinical testing. Allele origin: germline.

PreventionGenetics, part of Exact Sciences
Classification: Likely benign for PRRT2-related condition. Last evaluated: 2020-01-24. Review status: no assertion criteria provided. Collection method: clinical testing. Allele origin: germline. Not counted in ClinVar's aggregate classification.
Comment: This variant is classified as likely benign based on ACMG/AMP sequence variant interpretation guidelines (Richards et al. 2015 PMID: 25741868, with internal and published modifications).

NM_145239.3(PRRT2):c.432C>T (p.Pro144=)

Genes: MVP-DT (MVP divergent transcript; minus strand), PRRT2 (proline rich transmembrane protein 2; plus strand). Cytogenetic location: 16p11.2.
Variant type: single nucleotide variant.
Coding change: c.432C>T on transcript NM_145239.3 (MANE Select); coding-DNA position 432, C replaced by T.
Protein change: p.Pro144=; no amino-acid change (proline 144 retained).
Molecular consequence: synonymous variant.
Genome position (GRCh38, 1-based): chr16:29,813,486, C>T. VCF-style: chr16-29813486-C-T. GRCh37 (hg19) VCF-style: chr16-29824807-C-T.
Other names: c.432C>T, p.Pro144= (NM_001256442.2, NM_001256443.2); c.432C>T (NM_001256442.1).
Identifiers: ClinVar variation 536494 (VCV000536494.30), dbSNP rs749031499, ClinGen allele CA7994525.